The following is an entry in ClinVar:

ClinVar aggregate classification (germline): Benign (1 of 4 stars; one submission).

Conditions:
Leigh syndrome (NULS). Also called: Leigh's necrotizing encephalopathy; Leigh's disease; Leigh Syndrome (mtDNA deletion); Leigh Disease; Subacute necrotizing encephalopathy; Necrotizing encephalopathy infantile subacute of Leigh. Identifiers: Orphanet 506, MedGen C2931891, MONDO:0009723, OMIM 256000.

Submission:

Wong Mito Lab, Molecular and Human Genetics, Baylor College of Medicine
Classification: Benign for Leigh syndrome. Last evaluated: 2019-10-17. Review status: criteria provided, single submitter. Criteria: Modified ACMG Guidelines (Unpublished). Collection method: clinical testing. Allele origin: germline.
Comment: The NC_012920.1:m.9098T>C (YP_003024031.1:p.Ile191Thr) variant in MTATP6 gene is interpretated to be a Benign variant based on the modified ACMG guidelines (unpublished). This variant meets the following evidence codes: BS1, BS2

NC_012920.1(MT-ATP6):m.9098T>C

Gene: MT-ATP6 (mitochondrially encoded ATP synthase 6; plus strand).
Variant type: single nucleotide variant.
Genome position: chrM-9098-T-C.
Identifiers: ClinVar variation 693088 (VCV000693088.1), dbSNP rs201559119, ClinGen allele CA337098212.
Genomic context (GRCh38, chrMT:9,098, plus strand): 5'-TGCACCTAATTGGAAGCGCCACCCTAGCAATATCAACCATTAACCTTCCCTCTACACTTA[T>C]CATCTTCACAATTCTAATTCTACTGACTATCCTAGAAATCGCTGTCGCCTTAATCCAAGC-3'